The following is an entry in ClinVar:

ClinVar aggregate classification (germline): Uncertain significance. Review status: criteria provided, multiple submitters, no conflicts (2 of 4 stars). 2 submissions from 2 submitters: Uncertain significance (2). Last evaluated 2024-05-23.

Conditions:
Familial thoracic aortic aneurysm and aortic dissection (TAAD). Also called: Thoracic aortic aneurysms and dissections. Identifiers: Orphanet 91387, MedGen C4707243, MONDO:0019625.
Aortic aneurysm, familial thoracic 7 (AAT7). Also called: AORTIC DISSECTION, FAMILIAL, WITH OR WITHOUT AORTIC ANEURYSM. Identifiers: MedGen C3151077, MONDO:0013418, OMIM 613780.

Allele frequency attached by ClinVar (database versions not stated): ExAC 0.00001; gnomAD 0.00002; TOPMed 0.00002.
gnomAD v4.1: 3 of 1,613,862 alleles (0.00019%); highest among the groups gnomAD compares: African/African-American, 0.004%; no homozygotes.

Submissions (2):

Ambry Genetics
Classification: Uncertain significance for Familial thoracic aortic aneurysm and aortic dissection. Last evaluated: 2024-05-23. Review status: criteria provided, single submitter. Criteria: Ambry Variant Classification Scheme 2023. Collection method: clinical testing. Allele origin: germline.

Labcorp Genetics (formerly Invitae), Labcorp
Classification: Uncertain significance for Aortic aneurysm, familial thoracic 7. Last evaluated: 2023-05-09. Review status: criteria provided, single submitter. Criteria: Invitae Variant Classification Sherloc (09022015). Collection method: clinical testing. Allele origin: germline.
Comment: This variant has not been reported in the literature in individuals affected with MYLK-related conditions. This variant is present in population databases (rs757393078, gnomAD 0.007%). This sequence change replaces leucine, which is neutral and non-polar, with phenylalanine, which is neutral and non-polar, at codon 131 of the MYLK protein (p.Leu131Phe). Advanced modeling of protein sequence and biophysical properties (such as structural, functional, and spatial information, amino acid conservation, physicochemical variation, residue mobility, and thermodynamic stability) performed at Invitae indicates that this missense variant is not expected to disrupt MYLK protein function. In summary, the available evidence is currently insufficient to determine the role of this variant in disease. Therefore, it has been classified as a Variant of Uncertain Significance.

NM_053025.4(MYLK):c.391C>T (p.Leu131Phe)

Gene: MYLK (myosin light chain kinase; minus strand). Cytogenetic location: 3q21.1.
Variant type: single nucleotide variant.
Coding change: c.391C>T on transcript NM_053025.4 (MANE Select); coding-DNA position 391, C replaced by T.
Protein change: p.Leu131Phe; replaces leucine 131 with phenylalanine.
Molecular consequence: missense variant. On other transcripts: 5 prime UTR variant (1).
Genome position (GRCh38, 1-based): chr3:123,739,984, G>A on the plus strand (C>T on the coding strand, the complement: MYLK is on the minus strand). VCF-style: chr3-123739984-G-A. GRCh37 (hg19) VCF-style: chr3-123458831-G-A.
Other names: c.391C>T (NM_053025.3); c.-138C>T (NM_001321309.2); c.391C>T, p.Leu131Phe (NM_053026.4, NM_053027.4, NM_053028.4); short protein forms L131F.
Identifiers: ClinVar variation 2732011 (VCV002732011.4), dbSNP rs757393078, ClinGen allele CA070970.